The following is an entry in ClinVar:

NM_206943.4(LTBP1):c.4539C>T (p.Asn1513=)

Gene: LTBP1 (latent transforming growth factor beta binding protein 1; plus strand). Cytogenetic location: 2p22.3.
Variant type: single nucleotide variant.
Coding change: c.4539C>T on transcript NM_206943.4 (MANE Select); coding-DNA position 4539, C replaced by T.
Protein change: p.Asn1513=; no amino-acid change (asparagine 1513 retained).
Molecular consequence: synonymous variant.
Genome position (GRCh38, 1-based): chr2:33,364,355, C>T. VCF-style: chr2-33364355-C-T. GRCh37 (hg19) VCF-style: chr2-33589422-C-T.
Other names: c.3561C>T, p.Asn1187= (NM_000627.4); c.3435C>T, p.Asn1145= (NM_001166264.2, NM_001394909.1); c.3402C>T, p.Asn1134= (NM_001166265.2); c.3276C>T, p.Asn1092= (NM_001166266.2, NM_001394920.1); c.4380C>T, p.Asn1460= (NM_001394905.1); c.3558C>T, p.Asn1186= (NM_001394906.1); c.3474C>T, p.Asn1158= (NM_001394907.1); c.3441C>T, p.Asn1147= (NM_001394908.1); and 13 more.
Identifiers: ClinVar variation 4872693 (VCV004872693.2).

ClinVar aggregate classification (germline): Likely benign (1 of 4 stars; one submission).

gnomAD v4.1: 41 of 1,612,094 alleles (0.0025%); highest among the groups gnomAD compares: South Asian, 0.032%; no homozygotes.

Submission:

CeGaT Center for Human Genetics Tuebingen
Classification: Likely benign. Last evaluated: 2026-04-01. Review status: criteria provided, single submitter. Criteria: CeGaT Center For Human Genetics Tuebingen Variant Classification Criteria Version 2. Collection method: clinical testing. Allele origin: germline. Affected: yes. Observed: 1 variant allele.
Comment: LTBP1: BP4, BP7